The following is an entry in ClinVar:

ClinVar aggregate classification (germline): Uncertain significance (1 of 4 stars; one submission).

Conditions:
Hereditary cancer-predisposing syndrome. Also called: Tumor predisposition; Hereditary neoplastic syndrome; Hereditary Cancer Syndrome; Neoplastic Syndromes, Hereditary. Identifiers: Orphanet 140162, MedGen C0027672, MeSH D009386, MONDO:0015356.

Submission:

Ambry Genetics
Classification: Uncertain significance for Hereditary cancer-predisposing syndrome. Last evaluated: 2023-12-11. Review status: criteria provided, single submitter. Criteria: Ambry Variant Classification Scheme 2023. Collection method: clinical testing. Allele origin: germline.
Comment: The p.Q1589L variant (also known as c.4766A>T), located in coding exon 29 of the ALK gene, results from an A to T substitution at nucleotide position 4766. The glutamine at codon 1589 is replaced by leucine, an amino acid with dissimilar properties. This amino acid position is conserved. In addition, this alteration is predicted to be tolerated by in silico analysis. Since supporting evidence is limited at this time, the clinical significance of this alteration remains unclear.

NM_004304.5(ALK):c.4766A>T (p.Gln1589Leu)

Gene: ALK (ALK receptor tyrosine kinase; minus strand). Cytogenetic location: 2p23.2.
Variant type: single nucleotide variant.
Coding change: c.4766A>T on transcript NM_004304.5 (MANE Select); coding-DNA position 4766, A replaced by T.
Protein change: p.Gln1589Leu; replaces glutamine 1589 with leucine.
Molecular consequence: missense variant.
Genome position (GRCh38, 1-based): chr2:29,193,321, T>A on the plus strand (A>T on the coding strand, the complement: ALK is on the minus strand). VCF-style: chr2-29193321-T-A. GRCh37 (hg19) VCF-style: chr2-29416187-T-A.
Other names: c.1562A>T, p.Gln521Leu (NM_001353765.2); short protein forms Q1589L, Q521L.
Identifiers: ClinVar variation 3223914 (VCV003223914.1), dbSNP rs2148137189, ClinGen allele CA346460287.